The following is an entry in ClinVar:

ClinVar aggregate classification (germline): Uncertain significance (1 of 4 stars; one submission).

gnomAD v4.1: 52 of 1,611,106 alleles (0.0032%); highest among the groups gnomAD compares: South Asian, 0.038%; 1 homozygote.

Submission:

Labcorp Genetics (formerly Invitae), Labcorp
Classification: Uncertain significance. Last evaluated: 2024-07-31. Review status: criteria provided, single submitter. Criteria: Invitae Variant Classification Sherloc (09022015). Collection method: clinical testing. Allele origin: germline.
Comment: This sequence change replaces threonine, which is neutral and polar, with methionine, which is neutral and non-polar, at codon 202 of the LIPN protein (p.Thr202Met). This variant is present in population databases (rs759378843, gnomAD 0.04%). This variant has not been reported in the literature in individuals affected with LIPN-related conditions. An algorithm developed to predict the effect of missense changes on protein structure and function outputs the following: PolyPhen-2: "Benign". The methionine amino acid residue is found in multiple mammalian species, which suggests that this missense change does not adversely affect protein function. In summary, the available evidence is currently insufficient to determine the role of this variant in disease. Therefore, it has been classified as a Variant of Uncertain Significance.

NM_001102469.2(LIPN):c.605C>T (p.Thr202Met)

Gene: LIPN (lipase family member N; plus strand). Cytogenetic location: 10q23.31.
Variant type: single nucleotide variant.
Coding change: c.605C>T on transcript NM_001102469.2 (MANE Select); coding-DNA position 605, C replaced by T.
Protein change: p.Thr202Met; replaces threonine 202 with methionine.
Molecular consequence: missense variant.
Genome position (GRCh38, 1-based): chr10:88,768,861, C>T. VCF-style: chr10-88768861-C-T. GRCh37 (hg19) VCF-style: chr10-90528618-C-T.
Other names: short protein forms T202M.
Identifiers: ClinVar variation 3687503 (VCV003687503.2).